The following is an entry in ClinVar:

NM_004168.4(SDHA):c.1880dup (p.Ser628fs)

Gene: SDHA (succinate dehydrogenase complex flavoprotein subunit A; plus strand). Cytogenetic location: 5p15.33.
Variant type: Duplication.
Coding change: c.1880dup on transcript NM_004168.4 (MANE Select); coding-DNA position 1880, one base duplicated (T; older notation c.1880dupT).
Protein change: p.Ser628fs; shifts the reading frame from serine 628.
Molecular consequence: frameshift variant.
Genome position (GRCh38, 1-based): chr5:254,478, T duplicated. VCF-style (leftmost placement, unchanged base first): chr5-254477-C-CT. GRCh37 (hg19) VCF-style: chr5-254592-C-CT.
Other names: c.1736dup, p.Ser580fs (NM_001294332.2); c.1637dup, p.Ser547fs (NM_001330758.2); c.1880dupT (NM_004168.3); short protein forms S580fs, S628fs, S547fs.
Identifiers: ClinVar variation 646822 (VCV000646822.9), dbSNP rs1579445237, ClinGen allele CA915943275.

ClinVar aggregate classification (germline): Uncertain significance (1 of 4 stars; one submission).

Conditions:
Pheochromocytoma/paraganglioma syndrome 5. Also called: Paragangliomas 5; SDHA-Related Hereditary Paraganglioma-Pheochromocytoma Syndrome. Identifiers: Orphanet 29072, MedGen C3279992, MONDO:0013602, OMIM 614165.
Mitochondrial complex II deficiency, nuclear type 1. Also called: SUCCINATE CoQ REDUCTASE DEFICIENCY. Identifiers: Orphanet 3208, MedGen C5700310, MONDO:0100294, OMIM 252011.

Submission:

Labcorp Genetics (formerly Invitae), Labcorp
Classification: Uncertain significance for Pheochromocytoma/paraganglioma syndrome 5; Mitochondrial complex II deficiency, nuclear type 1. Last evaluated: 2020-11-16. Review status: criteria provided, single submitter. Criteria: Invitae Variant Classification Sherloc (09022015). Collection method: clinical testing. Allele origin: germline.
Comment: This sequence change results in a premature translational stop signal in the SDHA gene (p.Ser628Valfs*15). While this is not anticipated to result in nonsense mediated decay, it is expected to disrupt the last 37 amino acids of the SDHA protein. This variant is not present in population databases (ExAC no frequency). This variant has not been reported in the literature in individuals with SDHA-related disease. Experimental studies and prediction algorithms are not available for this variant, and the functional significance of the affected amino acids is currently unknown. In summary, the available evidence is currently insufficient to determine the role of this variant in disease. Therefore, it has been classified as a Variant of Uncertain Significance.